The following is an entry in ClinVar:

ClinVar aggregate classification (germline): Uncertain significance (1 of 4 stars; one submission).

Allele frequency attached by ClinVar (database versions not stated): gnomAD exomes below 0.00001.

Submission:

Labcorp Genetics (formerly Invitae), Labcorp
Classification: Uncertain significance. Last evaluated: 2024-04-22. Review status: criteria provided, single submitter. Criteria: Invitae Variant Classification Sherloc (09022015). Collection method: clinical testing. Allele origin: germline.
Comment: This sequence change affects codon 84 of the MAGEL2 mRNA. It is a 'silent' change, meaning that it does not change the encoded amino acid sequence of the MAGEL2 protein. This variant is not present in population databases (gnomAD no frequency). This variant has not been reported in the literature in individuals affected with MAGEL2-related conditions. ClinVar contains an entry for this variant (Variation ID: 2032178). Experimental studies and prediction algorithms are not available or were not evaluated, and the effect of this variant on mRNA splicing is currently unknown. In summary, the available evidence is currently insufficient to determine the role of this variant in disease. Therefore, it has been classified as a Variant of Uncertain Significance.

NM_019066.5(MAGEL2):c.252C>T (p.Ala84=)

Gene: MAGEL2 (MAGE family member L2; minus strand). Cytogenetic location: 15q11.2.
Variant type: single nucleotide variant.
Coding change: c.252C>T on transcript NM_019066.5 (MANE Select); coding-DNA position 252, C replaced by T.
Protein change: p.Ala84=; no amino-acid change (alanine 84 retained).
Molecular consequence: synonymous variant.
Genome position (GRCh38, 1-based): chr15:23,647,491, G>A on the plus strand (C>T on the coding strand, the complement: MAGEL2 is on the minus strand). VCF-style: chr15-23647491-G-A. GRCh37 (hg19) VCF-style: chr15-23892638-G-A.
Identifiers: ClinVar variation 2032178 (VCV002032178.4), dbSNP rs1296626890, ClinGen allele CA711342170.